The following is an entry in ClinVar:

NM_000391.4(TPP1):c.290A>G (p.His97Arg)

Gene: TPP1 (tripeptidyl peptidase 1; minus strand). Cytogenetic location: 11p15.4.
Variant type: single nucleotide variant.
Coding change: c.290A>G on transcript NM_000391.4 (MANE Select); coding-DNA position 290, A replaced by G.
Protein change: p.His97Arg; replaces histidine 97 with arginine.
Molecular consequence: missense variant.
Genome position (GRCh38, 1-based): chr11:6,617,716, T>C on the plus strand (A>G on the coding strand, the complement: TPP1 is on the minus strand). VCF-style: chr11-6617716-T-C. GRCh37 (hg19) VCF-style: chr11-6638947-T-C.
Other names: short protein forms H97R.
Identifiers: ClinVar variation 1353319 (VCV001353319.3), dbSNP rs1855608104, ClinGen allele CA379476472.

ClinVar aggregate classification (germline): Uncertain significance (1 of 4 stars; one submission).

Allele frequency attached by ClinVar (database versions not stated): gnomAD 0.00001.
gnomAD v4.1: 1 of 1,614,094 alleles (0.000062%); highest among the groups gnomAD compares: Admixed American, 0.0017%; no homozygotes.

Submission:

Labcorp Genetics (formerly Invitae), Labcorp
Classification: Uncertain significance. Last evaluated: 2022-07-12. Review status: criteria provided, single submitter. Criteria: Invitae Variant Classification Sherloc (09022015). Collection method: clinical testing. Allele origin: germline.
Comment: This sequence change replaces histidine, which is basic and polar, with arginine, which is basic and polar, at codon 97 of the TPP1 protein (p.His97Arg). This variant is not present in population databases (gnomAD no frequency). This variant has not been reported in the literature in individuals affected with TPP1-related conditions. ClinVar contains an entry for this variant (Variation ID: 1353319). Advanced modeling of protein sequence and biophysical properties (such as structural, functional, and spatial information, amino acid conservation, physicochemical variation, residue mobility, and thermodynamic stability) performed at Invitae indicates that this missense variant is not expected to disrupt TPP1 protein function. In summary, the available evidence is currently insufficient to determine the role of this variant in disease. Therefore, it has been classified as a Variant of Uncertain Significance.